The following is an entry in ClinVar:

ClinVar aggregate classification (germline): Pathogenic (1 of 4 stars; one submission).

Conditions:
Legius syndrome. Identifiers: Orphanet 137605, MedGen C1969623, MONDO:0012669, OMIM 611431. Disease mechanism: loss of function.

Submission:

Labcorp Genetics (formerly Invitae), Labcorp
Classification: Pathogenic for Legius syndrome. Last evaluated: 2020-01-26. Review status: criteria provided, single submitter. Criteria: Invitae Variant Classification Sherloc (09022015). Collection method: clinical testing. Allele origin: germline.
Comment: This variant is a gross deletion of the genomic region encompassing exon 1 of the SPRED1 gene, which includes the initiator codon. The 5' end of this event is unknown as it extends beyond the assayed region for this gene and therefore may encompass additional genes. The 3' boundary is likely confined to intron 1 of the SPRED1 gene. This is expected to result in an absent or disrupted protein product. A similar copy number variant has been observed in individual(s) with Legius syndrome (PMID: 28747691). Loss-of-function variants in SPRED1 are known to be pathogenic (PMID: 17704776). For these reasons, this variant has been classified as Pathogenic.

Literature cited by the submitters: PubMed 28747691; PubMed 17704776.

NC_000015.9:g.(?_38545367)_(38545438_?)del

Gene: SPRED1 (sprouty related EVH1 domain containing 1; plus strand). Cytogenetic location: 15q14.
Variant type: Deletion.
Identifiers: ClinVar variation 1073447 (VCV001073447.1).